The following is an entry in ClinVar:

NM_000478.6(ALPL):c.787T>A (p.Tyr263Asn)

Gene: ALPL (alkaline phosphatase, biomineralization associated; plus strand). Cytogenetic location: 1p36.12.
Variant type: single nucleotide variant.
Coding change: c.787T>A on transcript NM_000478.6 (MANE Select); coding-DNA position 787, T replaced by A.
Protein change: p.Tyr263Asn; replaces tyrosine 263 with asparagine.
Molecular consequence: missense variant.
Genome position (GRCh38, 1-based): chr1:21,568,242, T>A. VCF-style: chr1-21568242-T-A. GRCh37 (hg19) VCF-style: chr1-21894735-T-A.
Other names: c.622T>A, p.Tyr208Asn (NM_001127501.4); c.556T>A, p.Tyr186Asn (NM_001177520.3); c.787T>A, p.Tyr263Asn (NM_001369803.2, NM_001369804.2, NM_001369805.2); short protein forms Y186N, Y208N, Y263N.
Identifiers: ClinVar variation 4974817 (VCV004974817.1).

ClinVar aggregate classification (germline): Uncertain significance (1 of 4 stars; one submission).

Conditions:
Hypophosphatasia. Also called: Phosphoethanol-aminuria. Identifiers: Orphanet 436, MedGen C0020630, MeSH D007014, MONDO:0018570.

gnomAD v4.1: 2 of 1,613,762 alleles (0.00012%); highest among the groups gnomAD compares: South Asian, 0.0011%; no homozygotes.

Submission:

Genomenon, Inc
Classification: Uncertain significance for Hypophosphatasia. Last evaluated: 2026-09-01. Review status: criteria provided, single submitter. Criteria: Genomenon Sequence Variant Interpretation Standards - Updated. Collection method: curation. Allele origin: germline. Affected: no.
Comment: ALPL p.Tyr263Asn (c.787T>A) is a missense variant that changes the amino acid at codon 263 from Tyrosine to Asparagine. This variant has been reported in the published literature (PMID:32160374). It is absent or not present at a significant frequency in gnomAD. In silico models predict that this variant is not damaging. In conclusion, we classify ALPL p.Tyr263Asn (c.787T>A) as a variant of uncertain significance.

Literature cited by the submitters: PubMed 32160374.